The following is an entry in ClinVar:

ClinVar aggregate classification (germline): Uncertain significance. Review status: criteria provided, multiple submitters, no conflicts (2 of 4 stars). 3 submissions from 3 submitters: Uncertain significance (3). Last evaluated 2025-01-23.

Conditions:
Inborn genetic diseases. Identifiers: MedGen C0950123, MeSH D030342.
Thrombocytopenia 2 (THC2). Also called: ANKRD26-Related Thrombocytopenia. Identifiers: Orphanet 268322, MedGen C1861185, MONDO:0008555, OMIM 188000.

Allele frequency attached by ClinVar (database versions not stated): gnomAD exomes below 0.00001.
gnomAD v4.1: 3 of 1,613,326 alleles (0.00019%); highest among the groups gnomAD compares: Non-Finnish European, 0.00025%; no homozygotes.

Submissions (3):

Labcorp Genetics (formerly Invitae), Labcorp
Classification: Uncertain significance. Last evaluated: 2025-01-23. Review status: criteria provided, single submitter. Criteria: Invitae Variant Classification Sherloc (09022015). Collection method: clinical testing. Allele origin: germline.
Comment: This sequence change replaces glutamic acid, which is acidic and polar, with lysine, which is basic and polar, at codon 1314 of the ANKRD26 protein (p.Glu1314Lys). This variant is not present in population databases (gnomAD no frequency). This variant has not been reported in the literature in individuals affected with ANKRD26-related conditions. ClinVar contains an entry for this variant (Variation ID: 299732). An algorithm developed to predict the effect of missense changes on protein structure and function (PolyPhen-2) suggests that this variant is likely to be tolerated. In summary, the available evidence is currently insufficient to determine the role of this variant in disease. Therefore, it has been classified as a Variant of Uncertain Significance.

Ambry Genetics
Classification: Uncertain significance for Inborn genetic diseases. Last evaluated: 2024-12-23. Review status: criteria provided, single submitter. Criteria: Ambry Variant Classification Scheme 2023. Collection method: clinical testing. Allele origin: germline.
Comment: The p.E1314K variant (also known as c.3940G>A), located in coding exon 27 of the ANKRD26 gene, results from a G to A substitution at nucleotide position 3940. The glutamic acid at codon 1314 is replaced by lysine, an amino acid with similar properties. This amino acid position is conserved. In addition, this alteration is predicted to be tolerated by in silico analysis. Based on the available evidence, the clinical significance of this variant remains unclear.

Illumina Laboratory Services, Illumina
Classification: Uncertain significance for Thrombocytopenia 2. Last evaluated: 2018-01-13. Review status: criteria provided, single submitter. Criteria: ICSL Variant Classification Criteria 13 December 2019. Collection method: clinical testing. Allele origin: germline.

NM_014915.3(ANKRD26):c.3940G>A (p.Glu1314Lys)

Gene: ANKRD26 (ankyrin repeat domain 26; minus strand). Cytogenetic location: 10p12.1.
Variant type: single nucleotide variant.
Coding change: c.3940G>A on transcript NM_014915.3 (MANE Select); coding-DNA position 3940, G replaced by A.
Protein change: p.Glu1314Lys; replaces glutamic acid 1314 with lysine.
Molecular consequence: missense variant.
Genome position (GRCh38, 1-based): chr10:27,028,884, C>T on the plus strand (G>A on the coding strand, the complement: ANKRD26 is on the minus strand). VCF-style: chr10-27028884-C-T. GRCh37 (hg19) VCF-style: chr10-27317813-C-T.
Other names: c.3937G>A, p.Glu1313Lys (NM_001256053.2); short protein forms E1314K, E1313K.
Identifiers: ClinVar variation 299732 (VCV000299732.9), dbSNP rs886046945, ClinGen allele CA10628442.
Genomic context (GRCh38, chr10:27,028,884, plus strand): 5'-TACGACAGAAATTAAGTGGCTGACTTACCAAATTTGCATTTAACAGGTTTTTCTGAAGCT[C>T]CTCAATTTTGTCCATTTGCTTTTTGACTGTAACTTTTAACTTGGCATTATCTTTTTCAAG-3'
Protein context (NP_055730.2, residues 1304-1324): TVKKQMDKIE[Glu1314Lys]LQKNLLNANL